The following is an entry in ClinVar:

ClinVar aggregate classification (germline): Pathogenic/Likely pathogenic. Review status: criteria provided, multiple submitters, no conflicts (2 of 4 stars). 6 submissions from 6 submitters: Pathogenic (3); Likely pathogenic (1). 2 of the submissions do not count toward it. Last evaluated 2024-01-18.

Conditions:
Niemann-Pick disease, type C1. Also called: NIEMANN-PICK DISEASE, VARIANT TYPE C1; NEUROVISCERAL STORAGE DISEASE WITH VERTICAL SUPRANUCLEAR OPHTHALMOPLEGIA; NIEMANN-PICK DISEASE WITH CHOLESTEROL ESTERIFICATION BLOCK; NIEMANN-PICK DISEASE WITHOUT SPHINGOMYELINASE DEFICIENCY; NIEMANN-PICK DISEASE, CHRONIC NEURONOPATHIC FORM. Identifiers: Orphanet 646, MedGen C3179455, MONDO:0009757, OMIM 257220.

Allele frequency attached by ClinVar (database versions not stated): gnomAD exomes below 0.00001 and 0.00001.
gnomAD v4.1: 15 of 1,603,604 alleles (0.00094%); highest among the groups gnomAD compares: Admixed American, 0.0017%; no homozygotes.

Submissions (6):

Labcorp Genetics (formerly Invitae), Labcorp
Classification: Likely pathogenic for Niemann-Pick disease, type C1. Last evaluated: 2024-01-18. Review status: criteria provided, single submitter. Criteria: Invitae Variant Classification Sherloc (09022015). Collection method: clinical testing. Allele origin: germline.
Comment: This sequence change affects an acceptor splice site in intron 21 of the NPC1 gene. It is expected to disrupt RNA splicing. Variants that disrupt the donor or acceptor splice site typically lead to a loss of protein function (PMID: 16199547), and loss-of-function variants in NPC1 are known to be pathogenic (PMID: 9211850). This variant is present in population databases (no rsID available, gnomAD 0.003%). Disruption of this splice site has been observed in individual(s) with Niemann-Pick Type C (PMID: 31639011). This variant is also known as IVS21–2 A>G. ClinVar contains an entry for this variant (Variation ID: 281939). Algorithms developed to predict the effect of sequence changes on RNA splicing suggest that this variant may disrupt the consensus splice site. In summary, the currently available evidence indicates that the variant is pathogenic, but additional data are needed to prove that conclusively. Therefore, this variant has been classified as Likely Pathogenic.

Genetic Services Laboratory, University of Chicago
Classification: Pathogenic for Niemann-Pick disease, type C1. Last evaluated: 2016-11-18. Review status: criteria provided, single submitter. Criteria: ACMG Guidelines, 2015. Collection method: clinical testing. Allele origin: germline. Affected: yes.

GeneDx
Classification: Pathogenic. Last evaluated: 2015-11-10. Review status: criteria provided, single submitter. Criteria: GeneDx Variant Classification (06012015). Collection method: clinical testing. Allele origin: germline. Affected: yes.
Comment: The c.3246-2 A>G splice site variant in the NPC1 gene has been previously reported in association with Niemann-Pick disease, type C (NPC) (Kluenemann et al., 2013). This pathogenic variant destroys the canonical splice acceptor site in intron 21, and is expected to cause abnormal gene splicing. We interpret c.3246-2 A>G to be a pathogenic variant.

Eurofins Ntd Llc (ga)
Classification: Pathogenic. Last evaluated: 2015-07-24. Review status: criteria provided, single submitter. Criteria: EGL Classification Definitions 2015. Collection method: clinical testing. Allele origin: germline. Observed: 2 variant alleles, 2 heterozygotes.

Natera, Inc.
Classification: Pathogenic for Niemann-Pick disease type C1. Last evaluated: 2021-08-06. Review status: no assertion criteria provided. Collection method: clinical testing. Allele origin: germline. Not counted in ClinVar's aggregate classification.

Counsyl
Classification: Likely pathogenic for Niemann-Pick disease, type C1. Last evaluated: 2015-04-22. Review status: no assertion criteria provided. Collection method: clinical testing. Allele origin: unknown. Not counted in ClinVar's aggregate classification.

Literature cited by the submitters: PubMed 16199547 (cited by Labcorp Genetics (formerly Invitae), Labcorp); PubMed 9211850 (cited by Labcorp Genetics (formerly Invitae), Labcorp); PubMed 31639011 (cited by Labcorp Genetics (formerly Invitae), Labcorp); PubMed 24035292 (cited by Eurofins Ntd Llc (ga) and Counsyl).

NM_000271.5(NPC1):c.3246-2A>G

Gene: NPC1 (NPC intracellular cholesterol transporter 1; minus strand). Cytogenetic location: 18q11.2.
Variant type: single nucleotide variant.
Coding change: c.3246-2A>G on transcript NM_000271.5 (MANE Select); the canonical splice acceptor site of the intron before coding-DNA position 3246, A replaced by G.
Molecular consequence: splice acceptor variant.
Genome position (GRCh38, 1-based): chr18:23,535,702, T>C on the plus strand (A>G on the coding strand, the complement: NPC1 is on the minus strand). VCF-style: chr18-23535702-T-C. GRCh37 (hg19) VCF-style: chr18-21115666-T-C.
Identifiers: ClinVar variation 281939 (VCV000281939.18), dbSNP rs886042268, ClinGen allele CA10575444.